The following is an entry in ClinVar:

NM_000063.6(C2):c.371G>A (p.Arg124Gln)

Gene: C2 (complement C2; plus strand). Cytogenetic location: 6p21.33.
Variant type: single nucleotide variant.
Coding change: c.371G>A on transcript NM_000063.6 (MANE Select); coding-DNA position 371, G replaced by A.
Protein change: p.Arg124Gln; replaces arginine 124 with glutamine.
Molecular consequence: missense variant. On other transcripts: genic upstream transcript variant (2), intron variant (1).
Genome position (GRCh38, 1-based): chr6:31,928,846, G>A. VCF-style: chr6-31928846-G-A. GRCh37 (hg19) VCF-style: chr6-31896623-G-A.
Other names: p.Arg124Gln; c.371G>A (NM_000063.4); c.284G>A, p.Arg95Gln (NM_001282458.2); c.371G>A, p.Arg124Gln (NM_001282459.2); c.-63-4764G>A (NM_001282457.2); c.74-4764G>A (NM_001178063.3); c.46+1048G>A (NM_001145903.3); short protein forms R124Q, R95Q.
Identifiers: ClinVar variation 1422612 (VCV001422612.6), dbSNP rs149324266, ClinGen allele CA3727355.

ClinVar aggregate classification (germline): Uncertain significance. Review status: criteria provided, multiple submitters, no conflicts (2 of 4 stars). 3 submissions from 3 submitters: Uncertain significance (3). Last evaluated 2025-09-01.

Allele frequency attached by ClinVar (database versions not stated): ExAC 0.00015; 1000 Genomes Project 0.00020; 1000 Genomes Project 30x 0.00031; ESP Exome Variant Server 0.00008; gnomAD 0.00001 and 0.00005; TOPMed 0.00004; gnomAD exomes 0.00011.
gnomAD v4.1: 94 of 1,614,248 alleles (0.0058%); highest among the groups gnomAD compares: South Asian, 0.076%; no homozygotes.

Submissions (3):

Ambry Genetics
Classification: Uncertain significance. Last evaluated: 2025-09-01. Review status: criteria provided, single submitter. Criteria: Ambry Variant Classification Scheme 2023. Collection method: clinical testing. Allele origin: germline.

Mayo Clinic Laboratories, Mayo Clinic
Classification: Uncertain significance. Last evaluated: 2025-06-21. Review status: criteria provided, single submitter. Criteria: ACMG Guidelines, 2015. Collection method: clinical testing. Allele origin: germline. Observed: 1 variant allele.

Labcorp Genetics (formerly Invitae), Labcorp
Classification: Uncertain significance. Last evaluated: 2022-06-27. Review status: criteria provided, single submitter. Criteria: Invitae Variant Classification Sherloc (09022015). Collection method: clinical testing. Allele origin: germline.
Comment: This sequence change replaces arginine, which is basic and polar, with glutamine, which is neutral and polar, at codon 124 of the C2 protein (p.Arg124Gln). This variant is present in population databases (rs149324266, gnomAD 0.09%). This variant has not been reported in the literature in individuals affected with C2-related conditions. Algorithms developed to predict the effect of missense changes on protein structure and function are either unavailable or do not agree on the potential impact of this missense change (SIFT: "Deleterious"; PolyPhen-2: "Probably Damaging"; Align-GVGD: "Class C0"). Algorithms developed to predict the effect of sequence changes on RNA splicing suggest that this variant may disrupt the consensus splice site. In summary, the available evidence is currently insufficient to determine the role of this variant in disease. Therefore, it has been classified as a Variant of Uncertain Significance.